The following is an entry in ClinVar:

NM_024642.5(GALNT12):c.43C>A (p.Arg15=)

Gene: GALNT12 (polypeptide N-acetylgalactosaminyltransferase 12; plus strand). Cytogenetic location: 9q22.33.
Variant type: single nucleotide variant.
Coding change: c.43C>A on transcript NM_024642.5 (MANE Select); coding-DNA position 43, C replaced by A.
Protein change: p.Arg15=; no amino-acid change (arginine 15 retained).
Molecular consequence: synonymous variant.
Genome position (GRCh38, 1-based): chr9:98,807,741, C>A. VCF-style: chr9-98807741-C-A. GRCh37 (hg19) VCF-style: chr9-101570023-C-A.
Identifiers: ClinVar variation 824864 (VCV000824864.7), dbSNP rs1588436068, ClinGen allele CA466423674.

ClinVar aggregate classification (germline): Benign/Likely benign. Review status: criteria provided, multiple submitters, no conflicts (2 of 4 stars). 3 submissions from 3 submitters: Benign (1); Likely benign (1). 1 of the submissions does not count toward it. Last evaluated 2026-04-22.

Conditions:
GALNT12-related disorder. Also called: GALNT12-related condition.
Colorectal cancer, susceptibility to, 1. Also called: COLORECTAL ADENOMA AND CANCER, SUSCEPTIBILITY TO; COLORECTAL CANCER, SUSCEPTIBILITY TO, ON CHROMOSOME 9. Identifiers: MedGen C1837315, MONDO:0012132, OMIM 608812.

gnomAD v4.1: 1 of 1,187,736 alleles (0.000084%); highest among the groups gnomAD compares: Non-Finnish European, 0.0001%; no homozygotes.

Submissions (3):

Myriad Genetics, Inc.
Classification: Benign for Colorectal cancer, susceptibility to, 1. Last evaluated: 2026-04-22. Review status: criteria provided, single submitter. Criteria: Myriad Autosomal Dominant, Autosomal Recessive and X-Linked Classification Criteria (2023). Collection method: clinical testing. Allele origin: unknown.
Comment: This variant is considered benign. This variant is a silent/synonymous amino acid change and it is not expected to impact splicing.

Ambry Genetics
Classification: Likely benign. Last evaluated: 2018-09-13. Review status: criteria provided, single submitter. Criteria: Ambry Variant Classification Scheme 2023. Collection method: clinical testing. Allele origin: germline.

PreventionGenetics, part of Exact Sciences
Classification: Likely benign for GALNT12-related condition. Last evaluated: 2022-03-17. Review status: no assertion criteria provided. Collection method: clinical testing. Allele origin: germline. Not counted in ClinVar's aggregate classification.
Comment: This variant is classified as likely benign based on ACMG/AMP sequence variant interpretation guidelines (Richards et al. 2015 PMID: 25741868, with internal and published modifications).